The following is an entry in ClinVar:

NM_004855.5(PIGB):c.1380G>A (p.Pro460=)

Gene: PIGB (phosphatidylinositol glycan anchor biosynthesis class B; plus strand). Cytogenetic location: 15q21.3.
Variant type: single nucleotide variant.
Coding change: c.1380G>A on transcript NM_004855.5 (MANE Select); coding-DNA position 1380, G replaced by A.
Protein change: p.Pro460=; no amino-acid change (proline 460 retained).
Molecular consequence: synonymous variant.
Genome position (GRCh38, 1-based): chr15:55,354,840, G>A. VCF-style: chr15-55354840-G-A. GRCh37 (hg19) VCF-style: chr15-55647038-G-A.
Identifiers: ClinVar variation 2053339 (VCV002053339.18), dbSNP rs182425933, ClinGen allele CA7574090.
Genomic context (GRCh38, chr15:55,354,840, plus strand): 5'-TAACTTTTCTTTTCATAGCCATGTTCACTGCCCACTTCCCATGAGATTTCTCCAGTGCCC[G>A]CCAGACCTGACTGGAAAAAGTCATTATCTTGATGAAGCAGATGTATTTTACCTAAATCCC-3'
Protein context (NP_004846.4, residues 450-470): CPLPMRFLQC[Pro460=]PDLTGKSHYL

ClinVar aggregate classification (germline): Benign/Likely benign. Review status: criteria provided, multiple submitters, no conflicts (2 of 4 stars). 2 submissions from 2 submitters: Benign (1); Likely benign (1). Last evaluated 2025-07-10.

Allele frequency attached by ClinVar (database versions not stated): gnomAD 0.00011; TOPMed 0.00014; ExAC 0.00032; 1000 Genomes Project 30x 0.00047; 1000 Genomes Project 0.00060.
gnomAD v4.1: 199 of 1,613,412 alleles (0.012%); highest among the groups gnomAD compares: East Asian, 0.35%; 1 homozygote.

Submissions (2):

Labcorp Genetics (formerly Invitae), Labcorp
Classification: Benign. Last evaluated: 2025-07-10. Review status: criteria provided, single submitter. Criteria: Invitae Variant Classification Sherloc (09022015). Collection method: clinical testing. Allele origin: germline.

CeGaT Center for Human Genetics Tuebingen
Classification: Likely benign. Last evaluated: 2024-09-01. Review status: criteria provided, single submitter. Criteria: CeGaT Center For Human Genetics Tuebingen Variant Classification Criteria Version 2. Collection method: clinical testing. Allele origin: germline. Affected: yes. Observed: 1 variant allele.
Comment: PIGB: BP4, BP7